The following is an entry in ClinVar:

ClinVar aggregate classification (germline): Pathogenic/Likely pathogenic. Review status: criteria provided, multiple submitters, no conflicts (2 of 4 stars). 2 submissions from 2 submitters: Pathogenic (1); Likely pathogenic (1). Last evaluated 2023-02-11.

Conditions:
Pontocerebellar hypoplasia type 6 (PCH6). Identifiers: Orphanet 166073, MedGen C1969084, MONDO:0012683, OMIM 611523.

Submissions (2):

Labcorp Genetics (formerly Invitae), Labcorp
Classification: Pathogenic. Last evaluated: 2023-02-11. Review status: criteria provided, single submitter. Criteria: Invitae Variant Classification Sherloc (09022015). Collection method: clinical testing. Allele origin: germline.
Comment: This sequence change creates a premature translational stop signal (p.Lys352Alafs*15) in the RARS2 gene. It is expected to result in an absent or disrupted protein product. Loss-of-function variants in RARS2 are known to be pathogenic (PMID: 17847012, 22569581, 26083569). This variant is not present in population databases (gnomAD no frequency). This variant has not been reported in the literature in individuals affected with RARS2-related conditions. ClinVar contains an entry for this variant (Variation ID: 212016). For these reasons, this variant has been classified as Pathogenic.

Genetic Services Laboratory, University of Chicago
Classification: Likely pathogenic for Pontocerebellar hypoplasia, type 6. Last evaluated: 2014-08-14. Review status: criteria provided, single submitter. Criteria: ACMG Guidelines, 2015. Collection method: clinical testing. Allele origin: germline. Affected: yes.

Literature cited by the submitters: PubMed 17847012 (cited by Labcorp Genetics (formerly Invitae), Labcorp); PubMed 22569581 (cited by Labcorp Genetics (formerly Invitae), Labcorp); PubMed 26083569 (cited by Labcorp Genetics (formerly Invitae), Labcorp).

NM_020320.5(RARS2):c.1054_1055del (p.Lys352fs)

Gene: RARS2 (arginyl-tRNA synthetase 2, mitochondrial; minus strand). Cytogenetic location: 6q15.
Variant type: Deletion.
Coding change: c.1054_1055del on transcript NM_020320.5 (MANE Select); coding-DNA positions 1054 to 1055, 2 bases deleted (AA; older notation c.1054_1055delAA).
Protein change: p.Lys352fs; shifts the reading frame from lysine 352.
Molecular consequence: frameshift variant. On other transcripts: non-coding transcript variant (23).
Genome position (GRCh38, 1-based): chr6:87,520,237-87,520,238, TT deleted on the plus strand (AA on the coding strand, the reverse complement: RARS2 is on the minus strand); deleting any 2 consecutive bases within chr6:87,520,237-87,520,243 gives the same sequence; the c. name uses the placement nearest the transcript's 3' end. VCF-style (leftmost placement, unchanged base first): chr6-87520236-CTT-C. GRCh37 (hg19) VCF-style: chr6-88229954-CTT-C.
Other names: c.529_530del, p.Lys177fs (NM_001318785.2, NM_001350506.2, NM_001350507.2 and 4 more transcripts); c.1054_1055del, p.Lys352fs (NM_001350505.2); short protein forms K352fs, K177fs.
Identifiers: ClinVar variation 212016 (VCV000212016.10), dbSNP rs756696262, ClinGen allele CA208245.